The following is an entry in ClinVar:

NM_015355.4(SUZ12):c.1266C>T (p.Asn422=)

Gene: SUZ12 (SUZ12 polycomb repressive complex 2 subunit; plus strand). Cytogenetic location: 17q11.2.
Variant type: single nucleotide variant.
Coding change: c.1266C>T on transcript NM_015355.4 (MANE Select); coding-DNA position 1266, C replaced by T.
Protein change: p.Asn422=; no amino-acid change (asparagine 422 retained).
Molecular consequence: synonymous variant.
Genome position (GRCh38, 1-based): chr17:31,993,306, C>T. VCF-style: chr17-31993306-C-T. GRCh37 (hg19) VCF-style: chr17-30320325-C-T.
Other names: c.1197C>T, p.Asn399= (NM_001321207.2).
Identifiers: ClinVar variation 785566 (VCV000785566.7), dbSNP rs77143645, ClinGen allele CA8489719.

ClinVar aggregate classification (germline): Benign. Review status: criteria provided, multiple submitters, no conflicts (2 of 4 stars). 3 submissions from 3 submitters: Benign (2). 1 of the submissions does not count toward it. Last evaluated 2019-12-31.

Conditions:
SUZ12-related disorder. Also called: SUZ12-related condition.

Allele frequency attached by ClinVar (database versions not stated): gnomAD exomes 0.00048 and 0.00125; ESP Exome Variant Server 0.00418; 1000 Genomes Project 0.00599; 1000 Genomes Project 30x 0.00671; ExAC 0.00157; gnomAD 0.00567 and 0.00524; TOPMed 0.00616.
gnomAD v4.1: 1,514 of 1,582,004 alleles (0.096%); highest among the groups gnomAD compares: African/African-American, 1.8%; 12 homozygotes.

Submissions (3):

Labcorp Genetics (formerly Invitae), Labcorp
Classification: Benign. Last evaluated: 2019-12-31. Review status: criteria provided, single submitter. Criteria: Invitae Variant Classification Sherloc (09022015). Collection method: clinical testing. Allele origin: germline.

Breakthrough Genomics
Classification: Benign. Review status: criteria provided, single submitter. Criteria: ACMG Guidelines, 2015. Collection method: not provided. Allele origin: germline. Inheritance: Autosomal dominant inheritance. Affected: yes.

PreventionGenetics, part of Exact Sciences
Classification: Benign for SUZ12-related condition. Last evaluated: 2024-05-25. Review status: no assertion criteria provided. Collection method: clinical testing. Allele origin: germline. Not counted in ClinVar's aggregate classification.
Comment: This variant is classified as benign based on ACMG/AMP sequence variant interpretation guidelines (Richards et al. 2015 PMID: 25741868, with internal and published modifications).